The following is an entry in ClinVar:

NM_000245.4(MET):c.958G>A (p.Ala320Thr)

Gene: MET (MET proto-oncogene, receptor tyrosine kinase; plus strand). Cytogenetic location: 7q31.2.
Variant type: single nucleotide variant.
Coding change: c.958G>A on transcript NM_000245.4 (MANE Select); coding-DNA position 958, G replaced by A.
Protein change: p.Ala320Thr; replaces alanine 320 with threonine.
Molecular consequence: missense variant. On other transcripts: intron variant (1).
Genome position (GRCh38, 1-based): chr7:116,700,042, G>A. VCF-style: chr7-116700042-G-A. GRCh37 (hg19) VCF-style: chr7-116340096-G-A.
Other names: c.958G>A, p.Ala320Thr (NM_001127500.3, NM_001324401.3); c.-91+27465G>A (NM_001324402.2); short protein forms A320T.
Identifiers: ClinVar variation 4106722 (VCV004106722.1).

ClinVar aggregate classification (germline): Uncertain significance (1 of 4 stars; one submission).

Conditions:
Hereditary cancer-predisposing syndrome. Also called: Tumor predisposition; Neoplastic Syndromes, Hereditary; Hereditary neoplastic syndrome; Hereditary Cancer Syndrome. Identifiers: Orphanet 140162, MedGen C0027672, MeSH D009386, MONDO:0015356.

gnomAD v4.1: 1 of 1,613,952 alleles (0.000062%); highest among the groups gnomAD compares: Non-Finnish European, 0.000085%; no homozygotes.

Submission:

Ambry Genetics
Classification: Uncertain significance for Hereditary cancer-predisposing syndrome. Last evaluated: 2025-08-07. Review status: criteria provided, single submitter. Criteria: Ambry Variant Classification Scheme 2023. Collection method: clinical testing. Allele origin: germline.
Comment: The p.A320T variant (also known as c.958G>A), located in coding exon 1 of the MET gene, results from a G to A substitution at nucleotide position 958. The alanine at codon 320 is replaced by threonine, an amino acid with similar properties. This amino acid position is highly conserved in available vertebrate species. In addition, this alteration is predicted to be deleterious by in silico analysis. Based on the available evidence, the clinical significance of this variant remains unclear.